The following is an entry in ClinVar:

NM_205850.3(SLC24A5):c.457A>G (p.Ile153Val)

Gene: SLC24A5 (solute carrier family 24 member 5; plus strand). Cytogenetic location: 15q21.1.
Variant type: single nucleotide variant.
Coding change: c.457A>G on transcript NM_205850.3 (MANE Select); coding-DNA position 457, A replaced by G.
Protein change: p.Ile153Val; replaces isoleucine 153 with valine.
Molecular consequence: missense variant.
Genome position (GRCh38, 1-based): chr15:48,134,506, A>G. VCF-style: chr15-48134506-A-G. GRCh37 (hg19) VCF-style: chr15-48426703-A-G.
Other names: short protein forms I153V.
Identifiers: ClinVar variation 1961627 (VCV001961627.5), dbSNP rs920604977, ClinGen allele CA269989156.

ClinVar aggregate classification (germline): Uncertain significance (1 of 4 stars; one submission).

Allele frequency attached by ClinVar (database versions not stated): gnomAD 0.00001; TOPMed 0.00002.
gnomAD v4.1: 2 of 1,613,384 alleles (0.00012%); highest among the groups gnomAD compares: Non-Finnish European, 0.00017%; no homozygotes.

Submission:

Labcorp Genetics (formerly Invitae), Labcorp
Classification: Uncertain significance. Last evaluated: 2022-02-19. Review status: criteria provided, single submitter. Criteria: Invitae Variant Classification Sherloc (09022015). Collection method: clinical testing. Allele origin: germline.
Comment: Algorithms developed to predict the effect of missense changes on protein structure and function (SIFT, PolyPhen-2, Align-GVGD) all suggest that this variant is likely to be tolerated. This variant has not been reported in the literature in individuals affected with SLC24A5-related conditions. This variant is not present in population databases (gnomAD no frequency). This sequence change replaces isoleucine, which is neutral and non-polar, with valine, which is neutral and non-polar, at codon 153 of the SLC24A5 protein (p.Ile153Val). In summary, the available evidence is currently insufficient to determine the role of this variant in disease. Therefore, it has been classified as a Variant of Uncertain Significance.